The following is an entry in ClinVar:

ClinVar aggregate classification (germline): Uncertain significance (1 of 4 stars; one submission).

Conditions:
Leigh syndrome (NULS). Also called: Leigh's necrotizing encephalopathy; Leigh's disease; Leigh Syndrome (mtDNA deletion); Leigh Disease; Subacute necrotizing encephalopathy; Necrotizing encephalopathy infantile subacute of Leigh. Identifiers: Orphanet 506, MedGen C2931891, MONDO:0009723, OMIM 256000.

Submission:

Wong Mito Lab, Molecular and Human Genetics, Baylor College of Medicine
Classification: Uncertain significance for Leigh syndrome. Last evaluated: 2019-10-17. Review status: criteria provided, single submitter. Criteria: Modified ACMG Guidelines (Unpublished). Collection method: clinical testing. Allele origin: germline.
Comment: The NC_012920.1:m.4509T>C (YP_003024027.1:p.Phe14Leu) variant in MTND2 gene is interpretated to be a Uncertain Significance variant based on the modified ACMG guidelines (unpublished). This variant meets the following evidence codes: BP4

NC_012920.1(MT-ND2):m.4509T>C

Gene: MT-ND2 (mitochondrially encoded NADH dehydrogenase 2; plus strand).
Variant type: single nucleotide variant.
Genome position: chrM-4509-T-C.
Identifiers: ClinVar variation 692456 (VCV000692456.1), dbSNP rs1603219488, ClinGen allele CA414774623.